The following is an entry in ClinVar:

NM_000103.4(CYP19A1):c.791G>A (p.Arg264His)

Genes: CYP19A1 (cytochrome P450 family 19 subfamily A member 1; minus strand), MIR4713HG (MIR4713 host gene; plus strand), PIRC66 (piwi-interacting RNA cluster 66; plus strand). Cytogenetic location: 15q21.2.
Variant type: single nucleotide variant.
Coding change: c.791G>A on transcript NM_000103.4 (MANE Select); coding-DNA position 791, G replaced by A.
Protein change: p.Arg264His; replaces arginine 264 with histidine.
Molecular consequence: missense variant.
Genome position (GRCh38, 1-based): chr15:51,215,770, C>T on the plus strand (G>A on the coding strand, the complement: CYP19A1 is on the minus strand). VCF-style: chr15-51215770-C-T. GRCh37 (hg19) VCF-style: chr15-51507967-C-T.
Other names: c.791G>A, p.Arg264His (NM_001347248.1, NM_001347249.2, NM_001347250.2 and 7 more transcripts); short protein forms R264H.
Identifiers: ClinVar variation 1446569 (VCV001446569.4), dbSNP rs2304462, ClinGen allele CA7559942.

ClinVar aggregate classification (germline): Uncertain significance (1 of 4 stars; one submission).

Allele frequency attached by ClinVar (database versions not stated): ExAC 0.00003; gnomAD 0.00003 and 0.00005; TOPMed 0.00004; ESP Exome Variant Server 0.00008.
gnomAD v4.1: 27 of 1,613,978 alleles (0.0017%); highest among the groups gnomAD compares: East Asian, 0.027%; no homozygotes.

Submission:

Labcorp Genetics (formerly Invitae), Labcorp
Classification: Uncertain significance. Last evaluated: 2025-02-10. Review status: criteria provided, single submitter. Criteria: Invitae Variant Classification Sherloc (09022015). Collection method: clinical testing. Allele origin: germline.
Comment: This sequence change replaces arginine, which is basic and polar, with histidine, which is basic and polar, at codon 264 of the CYP19A1 protein (p.Arg264His). This variant is present in population databases (rs2304462, gnomAD 0.01%). This variant has not been reported in the literature in individuals affected with CYP19A1-related conditions. ClinVar contains an entry for this variant (Variation ID: 1446569). Invitae Evidence Modeling of protein sequence and biophysical properties (such as structural, functional, and spatial information, amino acid conservation, physicochemical variation, residue mobility, and thermodynamic stability) indicates that this missense variant is not expected to disrupt CYP19A1 protein function with a negative predictive value of 80%. Experimental studies have shown that this missense change affects CYP19A1 function (PMID: 27702664, 31669572). In summary, the available evidence is currently insufficient to determine the role of this variant in disease. Therefore, it has been classified as a Variant of Uncertain Significance.

Literature cited by the submitters: PubMed 27702664; PubMed 31669572.